The following is an entry in ClinVar:

ClinVar aggregate classification (germline): Uncertain significance. Review status: criteria provided, multiple submitters, no conflicts (2 of 4 stars). 2 submissions from 2 submitters: Uncertain significance (2). Last evaluated 2025-10-29.

Conditions:
Fanconi anemia complementation group J. Also called: BRIP1-Related Fanconi Anemia. Identifiers: Orphanet 84, MedGen C1836860, MONDO:0012187, OMIM 609054.
Familial cancer of breast. Also called: hereditary breast carcinoma; Hereditary breast cancer; BREAST CANCER, FAMILIAL. Identifiers: Orphanet 227535, MedGen C0346153, MONDO:0016419, OMIM 114480. Disease mechanism: loss of function.
Hereditary cancer-predisposing syndrome. Also called: Neoplastic Syndromes, Hereditary; Hereditary neoplastic syndrome; Hereditary Cancer Syndrome; Tumor predisposition. Identifiers: Orphanet 140162, MedGen C0027672, MeSH D009386, MONDO:0015356.

Allele frequency attached by ClinVar (database versions not stated): TOPMed 0.00001.
gnomAD v4.1: 1 of 1,613,980 alleles (0.000062%); highest among the groups gnomAD compares: African/African-American, 0.0013%; no homozygotes.

Submissions (2):

Labcorp Genetics (formerly Invitae), Labcorp
Classification: Uncertain significance for Familial cancer of breast; Fanconi anemia complementation group J. Last evaluated: 2025-10-29. Review status: criteria provided, single submitter. Criteria: Invitae Variant Classification Sherloc (09022015). Collection method: clinical testing. Allele origin: germline.
Comment: This sequence change replaces serine, which is neutral and polar, with phenylalanine, which is neutral and non-polar, at codon 116 of the BRIP1 protein (p.Ser116Phe). This variant is not present in population databases (gnomAD no frequency). This variant has not been reported in the literature in individuals affected with BRIP1-related conditions. ClinVar contains an entry for this variant (Variation ID: 657008). Invitae Evidence Modeling of protein sequence and biophysical properties (such as structural, functional, and spatial information, amino acid conservation, physicochemical variation, residue mobility, and thermodynamic stability) indicates that this missense variant is not expected to disrupt BRIP1 protein function with a negative predictive value of 95%. In summary, the available evidence is currently insufficient to determine the role of this variant in disease. Therefore, it has been classified as a Variant of Uncertain Significance.

Ambry Genetics
Classification: Uncertain significance for Hereditary cancer-predisposing syndrome. Last evaluated: 2023-01-31. Review status: criteria provided, single submitter. Criteria: Ambry Variant Classification Scheme 2023. Collection method: clinical testing. Allele origin: germline.
Comment: The p.S116F variant (also known as c.347C>T), located in coding exon 3 of the BRIP1 gene, results from a C to T substitution at nucleotide position 347. The serine at codon 116 is replaced by phenylalanine, an amino acid with highly dissimilar properties. This amino acid position is well conserved in available vertebrate species. In addition, this alteration is predicted to be tolerated by in silico analysis. Since supporting evidence is limited at this time, the clinical significance of this alteration remains unclear.

NM_032043.3(BRIP1):c.347C>T (p.Ser116Phe)

Gene: BRIP1 (BRCA1 interacting DNA helicase 1; minus strand). Cytogenetic location: 17q23.2.
Variant type: single nucleotide variant.
Coding change: c.347C>T on transcript NM_032043.3 (MANE Select); coding-DNA position 347, C replaced by T.
Protein change: p.Ser116Phe; replaces serine 116 with phenylalanine.
Molecular consequence: missense variant.
Genome position (GRCh38, 1-based): chr17:61,857,090, G>A on the plus strand (C>T on the coding strand, the complement: BRIP1 is on the minus strand). VCF-style: chr17-61857090-G-A. GRCh37 (hg19) VCF-style: chr17-59934451-G-A.
Other names: short protein forms S116F.
Identifiers: ClinVar variation 657008 (VCV000657008.14), dbSNP rs748793974, ClinGen allele CA292280542.